The following is an entry in ClinVar:

NM_001173990.3(TMEM216):c.431+5T>C

Gene: TMEM216 (transmembrane protein 216; plus strand). Cytogenetic location: 11q12.2.
Variant type: single nucleotide variant.
Coding change: c.431+5T>C on transcript NM_001173990.3 (MANE Select); 5 bases into the intron after coding-DNA position 431, T replaced by C.
Molecular consequence: intron variant.
Genome position (GRCh38, 1-based): chr11:61,397,980, T>C. VCF-style: chr11-61397980-T-C. GRCh37 (hg19) VCF-style: chr11-61165452-T-C.
Other names: c.248+5T>C (NM_016499.6, NM_001330285.2); c.431+5T>C (NM_001173991.3).
Identifiers: ClinVar variation 2097467 (VCV002097467.2), dbSNP rs571617064, ClinGen allele CA6034766.
Genomic context (GRCh38, chr11:61,397,980, plus strand): 5'-TTCTTCTGTGGCTCAGAGCTTTTACTTGAGGTGCTCACCTTGGCTGCTTTCTCCAGGTAC[T>C]GCTGCTGAGGGACCATTTCTCATCACTAGAGGGTTGGGTTCCCATCCCAGGGAGGGATTC-3'

ClinVar aggregate classification (germline): Uncertain significance (1 of 4 stars; one submission).

Conditions:
Joubert syndrome. Also called: CEREBELLOPARENCHYMAL DISORDER IV; JOUBERT-BOLTSHAUSER SYNDROME; Familial aplasia of the vermis. Identifiers: Orphanet 475, MedGen C5979921, MONDO:0018772.

Allele frequency attached by ClinVar (database versions not stated): gnomAD exomes 0.00001; TOPMed 0.00002; gnomAD 0.00004; ExAC 0.00007; 1000 Genomes Project 30x 0.00016; 1000 Genomes Project 0.00020.
gnomAD v4.1: 24 of 1,613,454 alleles (0.0015%); highest among the groups gnomAD compares: East Asian, 0.051%; no homozygotes.

Submission:

Labcorp Genetics (formerly Invitae), Labcorp
Classification: Uncertain significance for Joubert syndrome. Last evaluated: 2024-11-05. Review status: criteria provided, single submitter. Criteria: Invitae Variant Classification Sherloc (09022015). Collection method: clinical testing. Allele origin: germline.
Comment: This sequence change falls in intron 4 of the TMEM216 gene. It does not directly change the encoded amino acid sequence of the TMEM216 protein. It affects a nucleotide within the consensus splice site. This variant is present in population databases (rs571617064, gnomAD 0.1%). This variant has not been reported in the literature in individuals affected with TMEM216-related conditions. ClinVar contains an entry for this variant (Variation ID: 2097467). Variants that disrupt the consensus splice site are a relatively common cause of aberrant splicing (PMID: 17576681, 9536098). Algorithms developed to predict the effect of sequence changes on RNA splicing suggest that this variant is not likely to affect RNA splicing. In summary, the available evidence is currently insufficient to determine the role of this variant in disease. Therefore, it has been classified as a Variant of Uncertain Significance.

Literature cited by the submitters: PubMed 17576681; PubMed 9536098.